The following is an entry in ClinVar:

ClinVar aggregate classification (germline): Uncertain significance (1 of 4 stars; one submission).

Conditions:
Glycogen storage disease type III (GSD3). Also called: Cori disease; FORBES DISEASE. Identifiers: Orphanet 366, MedGen C0017922, MONDO:0009291, OMIM 232400.

Allele frequency attached by ClinVar (database versions not stated): gnomAD exomes below 0.00001.

Submission:

Labcorp Genetics (formerly Invitae), Labcorp
Classification: Uncertain significance for Glycogen storage disease type III. Last evaluated: 2022-11-22. Review status: criteria provided, single submitter. Criteria: Invitae Variant Classification Sherloc (09022015). Collection method: clinical testing. Allele origin: germline.
Comment: ClinVar contains an entry for this variant (Variation ID: 1373754). Advanced modeling of protein sequence and biophysical properties (such as structural, functional, and spatial information, amino acid conservation, physicochemical variation, residue mobility, and thermodynamic stability) performed at Invitae indicates that this missense variant is not expected to disrupt AGL protein function. In summary, the available evidence is currently insufficient to determine the role of this variant in disease. Therefore, it has been classified as a Variant of Uncertain Significance. This variant has not been reported in the literature in individuals affected with AGL-related conditions. This sequence change replaces serine, which is neutral and polar, with glycine, which is neutral and non-polar, at codon 1370 of the AGL protein (p.Ser1370Gly). This variant is present in population databases (no rsID available, gnomAD 0.0009%).

NM_000642.3(AGL):c.4108A>G (p.Ser1370Gly)

Gene: AGL (amylo-alpha-1,6-glucosidase and 4-alpha-glucanotransferase; plus strand). Cytogenetic location: 1p21.2.
Variant type: single nucleotide variant.
Coding change: c.4108A>G on transcript NM_000642.3 (MANE Select); coding-DNA position 4108, A replaced by G.
Protein change: p.Ser1370Gly; replaces serine 1370 with glycine.
Molecular consequence: missense variant.
Genome position (GRCh38, 1-based): chr1:99,913,685, A>G. VCF-style: chr1-99913685-A-G. GRCh37 (hg19) VCF-style: chr1-100379241-A-G.
Other names: c.4108A>G, p.Ser1370Gly (NM_000028.3, NM_000643.3, NM_000644.3 and 1 more transcripts); c.4060A>G, p.Ser1354Gly (NM_000646.3); c.4087A>G, p.Ser1363Gly (NM_001425326.1); c.3907A>G, p.Ser1303Gly (NM_001425327.1); c.3904A>G, p.Ser1302Gly (NM_001425328.1); c.3769A>G, p.Ser1257Gly (NM_001425329.1); c.3730A>G, p.Ser1244Gly (NM_001425332.1); short protein forms S1354G, S1370G, S1244G, S1257G, S1302G, S1303G, S1363G.
Identifiers: ClinVar variation 1373754 (VCV001373754.8), dbSNP rs1483370301, ClinGen allele CA341340165.